The following is an entry in ClinVar:

NM_001042492.3(NF1):c.3794T>C (p.Val1265Ala)

Gene: NF1 (neurofibromin 1; plus strand). Cytogenetic location: 17q11.2.
Variant type: single nucleotide variant.
Coding change: c.3794T>C on transcript NM_001042492.3 (MANE Select); coding-DNA position 3794, T replaced by C.
Protein change: p.Val1265Ala; replaces valine 1265 with alanine.
Molecular consequence: missense variant.
Genome position (GRCh38, 1-based): chr17:31,235,696, T>C. VCF-style: chr17-31235696-T-C. GRCh37 (hg19) VCF-style: chr17-29562714-T-C.
Other names: c.3794T>C, p.Val1265Ala (NM_000267.4); short protein forms V1265A.
Identifiers: ClinVar variation 1734970 (VCV001734970.2), dbSNP rs754213101, ClinGen allele CA398992630.

ClinVar aggregate classification (germline): Uncertain significance (1 of 4 stars; one submission).

Conditions:
Hereditary cancer-predisposing syndrome. Also called: Neoplastic Syndromes, Hereditary; Tumor predisposition; Hereditary Cancer Syndrome; Hereditary neoplastic syndrome. Identifiers: Orphanet 140162, MedGen C0027672, MeSH D009386, MONDO:0015356.
Cardiovascular phenotype. Identifiers: MedGen CN230736.

Submission:

Ambry Genetics
Classification: Uncertain significance for Cardiovascular phenotype; Hereditary cancer-predisposing syndrome. Last evaluated: 2022-05-16. Review status: criteria provided, single submitter. Criteria: Ambry Variant Classification Scheme 2023. Collection method: clinical testing. Allele origin: germline.
Comment: The p.V1265A variant (also known as c.3794T>C), located in coding exon 28 of the NF1 gene, results from a T to C substitution at nucleotide position 3794. The valine at codon 1265 is replaced by alanine, an amino acid with similar properties. This amino acid position is conserved. In addition, this alteration is predicted to be deleterious by in silico analysis. Since supporting evidence is limited at this time, the clinical significance of this alteration remains unclear.